The following is an entry in ClinVar:

NM_144670.6(A2ML1):c.855+1G>A

Gene: A2ML1 (alpha-2-macroglobulin like 1; plus strand). Cytogenetic location: 12p13.31.
Variant type: single nucleotide variant.
Coding change: c.855+1G>A on transcript NM_144670.6 (MANE Select); the canonical splice donor site of the intron after coding-DNA position 855, G replaced by A.
Molecular consequence: splice donor variant.
Genome position (GRCh38, 1-based): chr12:8,837,567, G>A. VCF-style: chr12-8837567-G-A. GRCh37 (hg19) VCF-style: chr12-8990163-G-A.
Identifiers: ClinVar variation 959400 (VCV000959400.8), dbSNP rs746496110, ClinGen allele CA6435444.

ClinVar aggregate classification (germline): Uncertain significance (1 of 4 stars; one submission).

Allele frequency attached by ClinVar (database versions not stated): gnomAD exomes 0.00001 and 0.00002; ExAC 0.00002.
gnomAD v4.1: 28 of 1,609,710 alleles (0.0017%); highest among the groups gnomAD compares: East Asian, 0.049%; no homozygotes.

Submission:

Labcorp Genetics (formerly Invitae), Labcorp
Classification: Uncertain significance. Last evaluated: 2025-02-18. Review status: criteria provided, single submitter. Criteria: Invitae Variant Classification Sherloc (09022015). Collection method: clinical testing. Allele origin: germline.
Comment: This sequence change affects a donor splice site in intron 8 of the A2ML1 gene. It is expected to disrupt RNA splicing. Variants that disrupt the donor or acceptor splice site typically lead to a loss of protein function (PMID: 16199547), however the current clinical and genetic evidence is not sufficient to establish whether loss-of-function variants in A2ML1 cause disease. This variant is present in population databases (rs746496110, gnomAD 0.006%). This variant has not been reported in the literature in individuals affected with A2ML1-related conditions. ClinVar contains an entry for this variant (Variation ID: 959400). Algorithms developed to predict the effect of sequence changes on RNA splicing suggest that this variant may disrupt the consensus splice site. In summary, the available evidence is currently insufficient to determine the role of this variant in disease. Therefore, it has been classified as a Variant of Uncertain Significance.

Literature cited by the submitters: PubMed 16199547.